The following is an entry in ClinVar:

NM_004813.4(PEX16):c.421A>G (p.Ile141Val)

Gene: PEX16 (peroxisomal biogenesis factor 16; minus strand). Cytogenetic location: 11p11.2.
Variant type: single nucleotide variant.
Coding change: c.421A>G on transcript NM_004813.4 (MANE Select); coding-DNA position 421, A replaced by G.
Protein change: p.Ile141Val; replaces isoleucine 141 with valine.
Molecular consequence: missense variant.
Genome position (GRCh38, 1-based): chr11:45,915,507, T>C on the plus strand (A>G on the coding strand, the complement: PEX16 is on the minus strand). VCF-style: chr11-45915507-T-C. GRCh37 (hg19) VCF-style: chr11-45937058-T-C.
Other names: c.421A>G, p.Ile141Val (NM_057174.3); short protein forms I141V.
Identifiers: ClinVar variation 965040 (VCV000965040.5), dbSNP rs761426585, ClinGen allele CA5959980.

ClinVar aggregate classification (germline): Uncertain significance. Review status: criteria provided, multiple submitters, no conflicts (2 of 4 stars). 2 submissions from 2 submitters: Uncertain significance (2). Last evaluated 2022-10-13.

Conditions:
Inborn genetic diseases. Identifiers: MedGen C0950123, MeSH D030342.
Peroxisome biogenesis disorder. Identifiers: Orphanet 79189, MedGen C1832200, MONDO:0019234. Disease mechanism: loss of function.

Allele frequency attached by ClinVar (database versions not stated): ExAC 0.00001; gnomAD 0.00003 and 0.00004; gnomAD exomes 0.00003; TOPMed 0.00010.
gnomAD v4.1: 90 of 1,613,978 alleles (0.0056%); highest among the groups gnomAD compares: Middle Eastern, 0.016%; no homozygotes.

Submissions (2):

Labcorp Genetics (formerly Invitae), Labcorp
Classification: Uncertain significance for Peroxisome biogenesis disorder. Last evaluated: 2022-10-13. Review status: criteria provided, single submitter. Criteria: Invitae Variant Classification Sherloc (09022015). Collection method: clinical testing. Allele origin: germline.
Comment: This sequence change replaces isoleucine, which is neutral and non-polar, with valine, which is neutral and non-polar, at codon 141 of the PEX16 protein (p.Ile141Val). This variant is present in population databases (rs761426585, gnomAD 0.006%). This variant has not been reported in the literature in individuals affected with PEX16-related conditions. ClinVar contains an entry for this variant (Variation ID: 965040). Advanced modeling of protein sequence and biophysical properties (such as structural, functional, and spatial information, amino acid conservation, physicochemical variation, residue mobility, and thermodynamic stability) performed at Invitae indicates that this missense variant is not expected to disrupt PEX16 protein function. In summary, the available evidence is currently insufficient to determine the role of this variant in disease. Therefore, it has been classified as a Variant of Uncertain Significance.

Ambry Genetics
Classification: Uncertain significance for Inborn genetic diseases. Last evaluated: 2021-08-02. Review status: criteria provided, single submitter. Criteria: Ambry Variant Classification Scheme 2023. Collection method: clinical testing. Allele origin: germline.